The following is an entry in ClinVar:

ClinVar aggregate classification (germline): Pathogenic (1 of 4 stars; one submission).

Conditions:
Ellis-van Creveld syndrome (EVC). Also called: EVC-Related Ellis-van Creveld Syndrome; EVC2-Related Ellis-van Creveld Syndrome; MESOECTODERMAL DYSPLASIA; Chondroectodermal dysplasia. Identifiers: Orphanet 289, MedGen C0013903, MONDO:0009162, OMIM 225500.

Submission:

Myriad Genetics, Inc.
Classification: Pathogenic for Ellis-van Creveld syndrome. Last evaluated: 2025-05-27. Review status: criteria provided, single submitter. Criteria: Myriad Autosomal Dominant, Autosomal Recessive and X-Linked Classification Criteria (2023). Collection method: clinical testing. Allele origin: unknown.
Comment: NM_147127.4(EVC2):c.2523_2536del14ins1(F841Lfs*7) is a frameshift variant classified as pathogenic in the context of EVC2-related Ellis-van Creveld syndrome. F841Lfs*7 has not been observed in cases with relevant disease. Relevant functional assessments of this variant are not available in the literature. F841Lfs*7 has not been observed in referenced population frequency databases. In summary, NM_147127.4(EVC2):c.2523_2536del14ins1(F841Lfs*7) is a frameshift variant in a gene where loss of function is a known mechanism of disease and is predicted to disrupt protein function. Please note: this variant was assessed in the context of healthy population screening.

NM_147127.5(EVC2):c.2523_2536delinsA (p.Phe841fs)

Gene: EVC2 (EvC ciliary complex subunit 2; minus strand). Cytogenetic location: 4p16.2.
Variant type: Indel.
Coding change: c.2523_2536delinsA on transcript NM_147127.5 (MANE Select); coding-DNA positions 2523 to 2536, CTCCCTGTCTGAAG replaced by A.
Protein change: p.Phe841fs; shifts the reading frame from phenylalanine 841.
Molecular consequence: frameshift variant.
Genome position (GRCh38, 1-based): chr4:5,618,648-5,618,661, CTTCAGACAGGGAG replaced by T on the plus strand (CTCCCTGTCTGAAG replaced by A on the coding strand, the reverse complement: EVC2 is on the minus strand). VCF-style: chr4-5618648-CTTCAGACAGGGAG-T. GRCh37 (hg19) VCF-style: chr4-5620375-CTTCAGACAGGGAG-T.
Other names: c.2283_2296delinsA, p.Phe761fs (NM_001166136.2); short protein forms F761fs, F841fs.
Identifiers: ClinVar variation 4081647 (VCV004081647.1).